The following is an entry in ClinVar:

NM_001243133.2(NLRP3):c.1508T>A (p.Met503Lys)

Gene: NLRP3 (NLR family pyrin domain containing 3; plus strand). Cytogenetic location: 1q44.
Variant type: single nucleotide variant.
Coding change: c.1508T>A on transcript NM_001243133.2 (MANE Select); coding-DNA position 1508, T replaced by A.
Protein change: p.Met503Lys; replaces methionine 503 with lysine.
Molecular consequence: missense variant.
Genome position (GRCh38, 1-based): chr1:247,424,957, T>A. VCF-style: chr1-247424957-T-A. GRCh37 (hg19) VCF-style: chr1-247588259-T-A.
Other names: c.1508T>A, p.Met503Lys (NM_001079821.3, NM_001127461.3, NM_001127462.3 and 1 more transcripts); c.1514T>A, p.Met505Lys (NM_004895.5); short protein forms M505K, M503K.
Identifiers: ClinVar variation 2986091 (VCV002986091.3), dbSNP rs2527271482, ClinGen allele CA345557041.
Genomic context (GRCh38, chr1:247,424,957, plus strand): 5'-AGGAGTCCGACCTCAGGAATCATGGACTGCAGAAGGCGGATGTGTCTGCTTTCCTGAGGA[T>A]GAACCTGTTCCAAAAGGAAGTGGACTGCGAGAAGTTCTACAGCTTCATCCACATGACTTT-3'
Protein context (NP_001230062.1, residues 493-513): QKADVSAFLR[Met503Lys]NLFQKEVDCE

ClinVar aggregate classification (germline): Uncertain significance (1 of 4 stars; one submission).

Conditions:
Cryopyrin associated periodic syndrome (CAPS). Identifiers: Orphanet 208650, MedGen C2316212, MONDO:0016168.

Allele frequency attached by ClinVar (database versions not stated): gnomAD exomes below 0.00001.
gnomAD v4.1: 1 of 1,614,126 alleles (0.000062%); highest among the groups gnomAD compares: Admixed American, 0.0017%; no homozygotes.

Submission:

Labcorp Genetics (formerly Invitae), Labcorp
Classification: Uncertain significance for Cryopyrin associated periodic syndrome. Last evaluated: 2025-12-21. Review status: criteria provided, single submitter. Criteria: Invitae Variant Classification Sherloc (09022015). Collection method: clinical testing. Allele origin: germline.
Comment: This sequence change replaces methionine, which is neutral and non-polar, with lysine, which is basic and polar, at codon 505 of the NLRP3 protein (p.Met505Lys). This variant is not present in population databases (gnomAD no frequency). This variant has not been reported in the literature in individuals affected with NLRP3-related conditions. ClinVar contains an entry for this variant (Variation ID: 2986091). Invitae Evidence Modeling of protein sequence and biophysical properties (such as structural, functional, and spatial information, amino acid conservation, physicochemical variation, residue mobility, and thermodynamic stability) has been performed for this missense variant. However, the output from this modeling did not meet the statistical confidence thresholds required to predict the impact of this variant on NLRP3 protein function. In summary, the available evidence is currently insufficient to determine the role of this variant in disease. Therefore, it has been classified as a Variant of Uncertain Significance.